The following continues an entry in ClinVar:

NM_000540.3(RYR1):c.11763C>A (p.Tyr3921Ter)

Gene: RYR1. ClinVar aggregate classification (germline): Conflicting classifications of pathogenicity. Pathogenic (8); Likely pathogenic (3); Uncertain significance (1).

Submissions 9 to 14 of 14:

Fulgent Genetics
Classification: Likely pathogenic for Central core myopathy; Malignant hyperthermia, susceptibility to, 1; Congenital myopathy 4A, autosomal dominant; Congenital multicore myopathy with external ophthalmoplegia; King Denborough syndrome. Last evaluated: 2022-04-11. Review status: criteria provided, single submitter. Criteria: ACMG Guidelines, 2015. Collection method: clinical testing. Allele origin: unknown.

Revvity Omics, Revvity
Classification: Likely pathogenic. Last evaluated: 2021-11-11. Review status: criteria provided, single submitter. Criteria: ACMG Guidelines, 2015. Collection method: clinical testing. Allele origin: germline.

Women's Health and Genetics/Laboratory Corporation of America, LabCorp
Classification: Pathogenic for Congenital myopathy with fiber type disproportion. Last evaluated: 2021-07-08. Review status: criteria provided, single submitter. Criteria: LabCorp Variant Classification Summary - May 2015. Collection method: clinical testing. Allele origin: germline.
Comment: Variant summary: RYR1 c.11763C>A (p.Tyr3921X) results in a premature termination codon, experimentally demonstrated to lead to absence of transcription (and therefore of the protein) (Zhou_2006, Klein_2012) due to nonsense mediated decay, which is a commonly known mechanism for disease. The variant allele was found at a frequency of 2.4e-05 in 251492 control chromosomes (gnomAD). c.11763C>A has been reported in the literature in individuals affected with autosomal recessive RYR1-related myopathy (e.g. Klein_2012, Amburgey_2013). These data indicate that the variant is likely to be associated with disease. Three ClinVar submitters (evaluation after 2014) cite the variant as pathogenic and one ClinVar submitter (evaluation after 2014) cites it as benign. Based on the evidence outlined above, the variant was classified as pathogenic.

PreventionGenetics, part of Exact Sciences
Classification: Pathogenic. Last evaluated: 2019-10-30. Review status: criteria provided, single submitter. Criteria: ACMG Guidelines, 2015. Collection method: clinical testing. Allele origin: germline.

CSER _CC_NCGL, University of Washington
Classification: Likely benign for Myopathy, congenital. Last evaluated: 2014-06-01. Review status: no assertion criteria provided. Collection method: research. Allele origin: germline. Inheritance: Autosomal dominant inheritance. Study: ESP 6500 variant annotation. Not counted in ClinVar's aggregate classification.
Comment: Variants classified for the Actionable exomic incidental findings in 6503 participants: challenges of variant classification manuscript

All of Us Research Program, National Institutes of Health
Classification: Uncertain significance for Malignant hyperthermia, susceptibility to, 1. Last evaluated: 2024-09-16. Review status: flagged submission. Criteria: ACMG Guidelines, 2015. Collection method: clinical testing. Allele origin: germline. Inheritance: Autosomal dominant inheritance. Observed: 9 variant alleles, 9 heterozygotes. Not counted in ClinVar's aggregate classification.
Comment: This pathogenicity assessment is for autosomal dominant malignant hyperthermia susceptibility phenotype. This variant changes 1 nucleotide in exon 85 of the RYR1 gene, creating a premature translation stop signal. This variant is expected to result in an absent or non-functional protein product. To our knowledge, this variant has not been reported in individuals affected with malignant hyperthermia in the literature. This variant has been identified in 8/282888 chromosomes in the general population by the Genome Aggregation Database (gnomAD). Loss of RYR1 function due to truncation variants is associated with congenital myopathy, but it is not an established disease mechanism for malignant hyperthermia susceptibility. While this particular variant is known to be pathogenic for myopathy (ClinVar variation ID: 161361), the available evidence is insufficient to determine the role of this variant in malignant hyperthermia susceptibility. Therefore, this variant is classified as a Variant of Uncertain Significance.

This study involves interpretation of variants in research participants for the purpose of population health screening. Participant phenotype was not available at the time of variant classification. Additional details can be found in publication PMID: 35346344, PMCID: PMC8962531
ClinVar note: Reason: Outlier claim with insufficient supporting evidence

Literature cited by the submitters: PubMed 23919265 (cited by 4 submitters); PubMed 25960145 (cited by Labcorp Genetics (formerly Invitae), Labcorp); PubMed 28818389 (cited by 5 submitters); PubMed 30611313 (cited by Labcorp Genetics (formerly Invitae), Labcorp); PubMed 22473935 (cited by 6 submitters); PubMed 25637381 (cited by Athena Diagnostics); PubMed 23553484 (cited by Athena Diagnostics); PubMed 25683120 (cited by 4 submitters); PubMed 27855725 (cited by Victorian Clinical Genetics Services, Murdoch Childrens Research Institute); PubMed 36757698 (cited by Victorian Clinical Genetics Services, Murdoch Childrens Research Institute); PubMed 17033962 (cited by Women's Health and Genetics/Laboratory Corporation of America, LabCorp).